The following is an entry in ClinVar:

ClinVar aggregate classification (germline): Uncertain significance (1 of 4 stars; one submission).

Allele frequency attached by ClinVar (database versions not stated): gnomAD exomes 0.00002; ExAC 0.00003.

Submission:

GeneDx
Classification: Uncertain significance. Last evaluated: 2025-01-30. Review status: criteria provided, single submitter. Criteria: GeneDx Variant Classification Process June 2021. Collection method: clinical testing. Allele origin: germline. Affected: yes.
Comment: In silico analysis indicates that this missense variant does not alter protein structure/function; Has not been previously published as pathogenic or benign to our knowledge

NM_001080453.3(INTS1):c.6454C>G (p.Gln2152Glu)

Gene: INTS1 (integrator complex subunit 1; minus strand). Cytogenetic location: 7p22.3.
Variant type: single nucleotide variant.
Coding change: c.6454C>G on transcript NM_001080453.3 (MANE Select); coding-DNA position 6454, C replaced by G.
Protein change: p.Gln2152Glu; replaces glutamine 2152 with glutamic acid.
Molecular consequence: missense variant.
Genome position (GRCh38, 1-based): chr7:1,470,849, G>C on the plus strand (C>G on the coding strand, the complement: INTS1 is on the minus strand). VCF-style: chr7-1470849-G-C. GRCh37 (hg19) VCF-style: chr7-1510485-G-C.
Other names: short protein forms Q2152E.
Identifiers: ClinVar variation 1305883 (VCV001305883.3), dbSNP rs761770199, ClinGen allele CA4117953.